The following is an entry in ClinVar:

NM_001244008.2(KIF1A):c.3698A>T (p.Lys1233Met)

Gene: KIF1A (kinesin family member 1A; minus strand). Cytogenetic location: 2q37.3.
Variant type: single nucleotide variant.
Coding change: c.3698A>T on transcript NM_001244008.2 (MANE Select); coding-DNA position 3698, A replaced by T.
Protein change: p.Lys1233Met; replaces lysine 1233 with methionine.
Molecular consequence: missense variant.
Genome position (GRCh38, 1-based): chr2:240,741,320, T>A on the plus strand (A>T on the coding strand, the complement: KIF1A is on the minus strand). VCF-style: chr2-240741320-T-A. GRCh37 (hg19) VCF-style: chr2-241680737-T-A.
Other names: c.3395A>T (NM_004321.6); c.3422A>T, p.Lys1141Met (NM_001320705.2, NM_001330289.2, NM_001379638.1); c.3497A>T, p.Lys1166Met (NM_001330290.2, NM_001379634.1, NM_001379635.1 and 1 more transcripts); c.3773A>T, p.Lys1258Met (NM_001379631.1); c.3647A>T, p.Lys1216Met (NM_001379632.1); c.3671A>T, p.Lys1224Met (NM_001379633.1, NM_001379642.1, NM_001379645.1); c.3395A>T, p.Lys1132Met (NM_001379636.1, NM_001379639.1, NM_001379641.1 and 5 more transcripts); c.3470A>T, p.Lys1157Met (NM_001379637.1, NM_001379648.1); and 1 more; short protein forms K1157M, K1258M, K1141M, K1216M, K1233M, K1131M, K1132M, K1224M.
Identifiers: ClinVar variation 1440403 (VCV001440403.7), dbSNP rs1553629083, ClinGen allele CA351315400.

ClinVar aggregate classification (germline): Uncertain significance. Review status: criteria provided, multiple submitters, no conflicts (2 of 4 stars). 2 submissions from 2 submitters: Uncertain significance (2). Last evaluated 2025-03-05.

Conditions:
Hereditary spastic paraplegia 30. Identifiers: Orphanet 101010, MedGen C5235139, MONDO:0012476.
Neuropathy, hereditary sensory, type 2C. Also called: KIF1A-Related HSAN2 (HSAN2C); Hereditary sensory and autonomic neuropathy type IIC. Identifiers: Orphanet 970, MedGen C3280168, MONDO:0013634, OMIM 614213.
Intellectual disability, autosomal dominant 9 (NESCAVS). Also called: KIF1A-Related Neurodevelopmental Disorder; NESCAV SYNDROME. Identifiers: Orphanet 662367, MedGen C5393830, MONDO:0013656, OMIM 614255.

Submissions (2):

Labcorp Genetics (formerly Invitae), Labcorp
Classification: Uncertain significance for Hereditary spastic paraplegia 30; Neuropathy, hereditary sensory, type 2C; Intellectual disability, autosomal dominant 9. Last evaluated: 2025-03-05. Review status: criteria provided, single submitter. Criteria: Invitae Variant Classification Sherloc (09022015). Collection method: clinical testing. Allele origin: germline.
Comment: This sequence change replaces lysine, which is basic and polar, with methionine, which is neutral and non-polar, at codon 1132 of the KIF1A protein (p.Lys1132Met). This variant is not present in population databases (gnomAD no frequency). This variant has not been reported in the literature in individuals affected with KIF1A-related conditions. ClinVar contains an entry for this variant (Variation ID: 1440403). Invitae Evidence Modeling of protein sequence and biophysical properties (such as structural, functional, and spatial information, amino acid conservation, physicochemical variation, residue mobility, and thermodynamic stability) indicates that this missense variant is not expected to disrupt KIF1A protein function with a negative predictive value of 95%. In summary, the available evidence is currently insufficient to determine the role of this variant in disease. Therefore, it has been classified as a Variant of Uncertain Significance.

GeneDx
Classification: Uncertain significance. Last evaluated: 2023-12-12. Review status: criteria provided, single submitter. Criteria: GeneDx Variant Classification Process June 2021. Collection method: clinical testing. Allele origin: germline. Affected: yes.
Comment: Not observed in large population cohorts (gnomAD); In silico analysis supports that this missense variant has a deleterious effect on protein structure/function; Has not been previously published as pathogenic or benign to our knowledge